The following is an entry in ClinVar:

NM_020436.5(SALL4):c.2668C>T (p.Arg890Trp)

Gene: SALL4 (spalt like transcription factor 4; minus strand). Cytogenetic location: 20q13.2.
Variant type: single nucleotide variant.
Coding change: c.2668C>T on transcript NM_020436.5 (MANE Select); coding-DNA position 2668, C replaced by T.
Protein change: p.Arg890Trp; replaces arginine 890 with tryptophan.
Molecular consequence: missense variant.
Genome position (GRCh38, 1-based): chr20:51,788,935, G>A on the plus strand (C>T on the coding strand, the complement: SALL4 is on the minus strand). VCF-style: chr20-51788935-G-A. GRCh37 (hg19) VCF-style: chr20-50405474-G-A.
Other names: c.1357C>T, p.Arg453Trp (NM_001318031.2); short protein forms R890W, R453W.
Identifiers: ClinVar variation 850032 (VCV000850032.10), dbSNP rs2078012508, ClinGen allele CA409006600.

ClinVar aggregate classification (germline): Uncertain significance. Review status: criteria provided, multiple submitters, no conflicts (2 of 4 stars). 2 submissions from 2 submitters: Uncertain significance (2). Last evaluated 2024-06-04.

Conditions:
Duane-radial ray syndrome (DRRS). Also called: Duane-Radial Ray Syndrome (DRRS) / Okihiro Syndrome; ACRORENOOCULAR SYNDROME; DR SYNDROME; DUANE ANOMALY WITH RADIAL RAY ABNORMALITIES AND DEAFNESS; Okihiro Syndrome; Duane-Radial Ray Syndrome/Okihiro Syndrome. Identifiers: Orphanet 93293, Orphanet 959, MedGen C1623209, MONDO:0011812, OMIM 607323. Disease mechanism: gain of function.

Submissions (2):

GeneDx
Classification: Uncertain significance. Last evaluated: 2024-06-04. Review status: criteria provided, single submitter. Criteria: GeneDx Variant Classification Process June 2021. Collection method: clinical testing. Allele origin: germline. Affected: yes.
Comment: Not observed at significant frequency in large population cohorts (gnomAD); In silico analysis supports that this missense variant has a deleterious effect on protein structure/function; Has not been previously published as pathogenic or benign to our knowledge

Labcorp Genetics (formerly Invitae), Labcorp
Classification: Uncertain significance for Duane-radial ray syndrome. Last evaluated: 2019-12-04. Review status: criteria provided, single submitter. Criteria: Invitae Variant Classification Sherloc (09022015). Collection method: clinical testing. Allele origin: germline.
Comment: This sequence change replaces arginine with tryptophan at codon 890 of the SALL4 protein (p.Arg890Trp). The arginine residue is highly conserved and there is a moderate physicochemical difference between arginine and tryptophan. In summary, the available evidence is currently insufficient to determine the role of this variant in disease. Therefore, it has been classified as a Variant of Uncertain Significance. Algorithms developed to predict the effect of missense changes on protein structure and function are either unavailable or do not agree on the potential impact of this missense change (SIFT: "Deleterious"; PolyPhen-2: "Probably Damaging"; Align-GVGD: "Class C0"). This variant has not been reported in the literature in individuals with SALL4-related conditions. This variant is not present in population databases (ExAC no frequency).